The following is an entry in ClinVar:

ClinVar aggregate classification (germline): Uncertain significance (1 of 4 stars; one submission).

Conditions:
Aortic aneurysm, familial thoracic 7 (AAT7). Also called: AORTIC DISSECTION, FAMILIAL, WITH OR WITHOUT AORTIC ANEURYSM. Identifiers: MedGen C3151077, MONDO:0013418, OMIM 613780.

gnomAD v4.1: 2 of 1,614,092 alleles (0.00012%); highest among the groups gnomAD compares: Non-Finnish European, 0.00017%; no homozygotes.

Submission:

Labcorp Genetics (formerly Invitae), Labcorp
Classification: Uncertain significance for Aortic aneurysm, familial thoracic 7. Last evaluated: 2017-03-19. Review status: criteria provided, single submitter. Criteria: Invitae Variant Classification Sherloc (09022015). Collection method: clinical testing. Allele origin: germline.
Comment: In summary, this variant is a novel missense change that is not predicted to affect protein function. There is no indication that it causes disease, but the available evidence is currently insufficient to prove that conclusively. Therefore, it has been classified as a Variant of Uncertain Significance. Algorithms developed to predict the effect of missense changes on protein structure and function output the following: SIFT: "Tolerated"; PolyPhen-2: "Possibly Damaging"; Align-GVGD: "Class C0". The alanine amino acid residue is found in multiple mammalian species, suggesting that this missense change does not adversely affect protein function. These predictions have not been confirmed by published functional studies. This variant is not present in population databases (ExAC no frequency) and has not been reported in the literature in individuals with a MYLK-related disease. This sequence change replaces serine with alanine at codon 1793 of the MYLK protein (p.Ser1793Ala). The serine residue is moderately conserved and there is a moderate physicochemical difference between serine and alanine.

NM_053025.4(MYLK):c.5377T>G (p.Ser1793Ala)

Genes: MYLK (myosin light chain kinase; minus strand), MYLK-AS1 (MYLK antisense RNA 1; plus strand). Cytogenetic location: 3q21.1.
Variant type: single nucleotide variant.
Coding change: c.5377T>G on transcript NM_053025.4 (MANE Select); coding-DNA position 5377, T replaced by G.
Protein change: p.Ser1793Ala; replaces serine 1793 with alanine.
Molecular consequence: missense variant.
Genome position (GRCh38, 1-based): chr3:123,618,762, A>C on the plus strand (T>G on the coding strand, the complement: MYLK is on the minus strand). VCF-style: chr3-123618762-A-C. GRCh37 (hg19) VCF-style: chr3-123337609-A-C.
Other names: c.4849T>G, p.Ser1617Ala (NM_001321309.2); c.5170T>G, p.Ser1724Ala (NM_053026.4); c.5224T>G, p.Ser1742Ala (NM_053027.4); c.5017T>G, p.Ser1673Ala (NM_053028.4); c.94T>G, p.Ser32Ala (NM_053031.4); c.97T>G, p.Ser33Ala (NM_053032.4); short protein forms S1793A, S1673A, S1724A, S1742A, S33A, S32A, S1617A.
Identifiers: ClinVar variation 471737 (VCV000471737.8), dbSNP rs1553770582, ClinGen allele CA354231209.